The following is an entry in ClinVar:

NM_000383.4(AIRE):c.1072C>T (p.Gln358Ter)

Gene: AIRE (autoimmune regulator; plus strand). Cytogenetic location: 21q22.3.
Variant type: single nucleotide variant.
Coding change: c.1072C>T on transcript NM_000383.4 (MANE Select); coding-DNA position 1072, C replaced by T.
Protein change: p.Gln358Ter; replaces glutamine 358 with a stop codon.
Molecular consequence: nonsense.
Genome position (GRCh38, 1-based): chr21:44,292,378, C>T. VCF-style: chr21-44292378-C-T. GRCh37 (hg19) VCF-style: chr21-45712261-C-T.
Other names: short protein forms Q358*.
Identifiers: ClinVar variation 2138398 (VCV002138398.4), dbSNP rs2517883537, ClinGen allele CA410425195.

ClinVar aggregate classification (germline): Pathogenic (1 of 4 stars; one submission).

Conditions:
Polyglandular autoimmune syndrome, type 1 (APS1). Also called: PGA I; Autoimmune polyendocrinopathy syndrome, type I; HYPOADRENOCORTICISM WITH HYPOPARATHYROIDISM AND SUPERFICIAL MONILIASIS; AUTOIMMUNE POLYENDOCRINE SYNDROME, TYPE I, WITH OR WITHOUT REVERSIBLE METAPHYSEAL DYSPLASIA; APS I; Whitaker syndrome. Identifiers: Orphanet 3453, MedGen C0085859, MONDO:0009411, OMIM 240300.

Submission:

Labcorp Genetics (formerly Invitae), Labcorp
Classification: Pathogenic for Polyglandular autoimmune syndrome, type 1. Last evaluated: 2023-02-16. Review status: criteria provided, single submitter. Criteria: Invitae Variant Classification Sherloc (09022015). Collection method: clinical testing. Allele origin: germline.
Comment: This sequence change creates a premature translational stop signal (p.Gln358*) in the AIRE gene. It is expected to result in an absent or disrupted protein product. Loss-of-function variants in AIRE are known to be pathogenic (PMID: 11524731, 26141571). This premature translational stop signal has been observed in individual(s) with autosomal recessive autoimmune polyendocrinopathy syndrome (PMID: 11836330). This variant is not present in population databases (gnomAD no frequency). For these reasons, this variant has been classified as Pathogenic.

Literature cited by the submitters: PubMed 11524731; PubMed 26141571; PubMed 11836330.